The following is an entry in ClinVar:

ClinVar aggregate classification (germline): Uncertain significance (1 of 4 stars; one submission).

Allele frequency attached by ClinVar (database versions not stated): gnomAD exomes below 0.00001; gnomAD 0.00001; TOPMed 0.00002.

Submission:

Women's Health and Genetics/Laboratory Corporation of America, LabCorp
Classification: Uncertain significance. Last evaluated: 2022-11-15. Review status: criteria provided, single submitter. Criteria: LabCorp Variant Classification Summary - May 2015. Collection method: clinical testing. Allele origin: germline.
Comment: Variant summary: SDR9C7 c.888delT (p.Val297X) results in a premature termination codon, predicted to cause a truncation of the encoded protein by 16 amino acids, reducing the protein from 313 to 297 amino acids in length. Truncation of the SDR9C7 protein is a commonly known mechanism for disease. The variant allele was found at a frequency of 4e-06 in 251012 control chromosomes. To our knowledge, no occurrence of c.888delT in individuals affected with Lamellar Ichthyosis and no experimental evidence demonstrating its impact on protein function have been reported. No clinical diagnostic laboratories have submitted clinical-significance assessments for this variant to ClinVar after 2014. Based on the evidence outlined above, the variant was classified as uncertain significance.

NM_148897.3(SDR9C7):c.888del (p.Pro296_Val297insTer)

Gene: SDR9C7 (short chain dehydrogenase/reductase family 9C member 7; minus strand). Cytogenetic location: 12q13.3.
Variant type: Deletion.
Coding change: c.888del on transcript NM_148897.3 (MANE Select); coding-DNA position 888, one base deleted (T; older notation c.888delT).
Protein change: p.Pro296_Val297insTer.
Molecular consequence: frameshift variant.
Genome position (GRCh38, 1-based): chr12:56,923,887, A deleted on the plus strand (T on the coding strand, the reverse complement: SDR9C7 is on the minus strand). VCF-style (leftmost placement, unchanged base first): chr12-56923886-CA-C. GRCh37 (hg19) VCF-style: chr12-57317670-CA-C.
Identifiers: ClinVar variation 1804857 (VCV001804857.1), dbSNP rs970534082, ClinGen allele CA237700862.